The following is an entry in ClinVar:

ClinVar aggregate classification (germline): Uncertain significance (1 of 4 stars; one submission).

Conditions:
Leigh syndrome (NULS). Also called: Leigh's necrotizing encephalopathy; Leigh's disease; Leigh Syndrome (mtDNA deletion); Leigh Disease; Subacute necrotizing encephalopathy; Necrotizing encephalopathy infantile subacute of Leigh. Identifiers: Orphanet 506, MedGen C2931891, MONDO:0009723, OMIM 256000.

Submission:

Wong Mito Lab, Molecular and Human Genetics, Baylor College of Medicine
Classification: Uncertain significance for Leigh syndrome. Last evaluated: 2019-10-17. Review status: criteria provided, single submitter. Criteria: Modified ACMG Guidelines (Unpublished). Collection method: clinical testing. Allele origin: germline.
Comment: The NC_012920.1:m.8935C>T (YP_003024031.1:p.Leu137Phe) variant in MTATP6 gene is interpretated to be a Uncertain Significance variant based on the modified ACMG guidelines (unpublished). This variant meets the following evidence codes: BS4, PP3

NC_012920.1(MT-ATP6):m.8935C>T

Gene: MT-ATP6 (mitochondrially encoded ATP synthase 6; plus strand).
Variant type: single nucleotide variant.
Genome position: chrM-8935-C-T.
Identifiers: ClinVar variation 693027 (VCV000693027.1), dbSNP rs28377547, ClinGen allele CA337098121.
Genomic context (GRCh38, chrMT:8,935, plus strand): 5'-TTTCGCTCTAAGATTAAAAATGCCCTAGCCCACTTCTTACCACAAGGCACACCTACACCC[C>T]TTATCCCCATACTAGTTATTATCGAAACCATCAGCCTACTCATTCAACCAATAGCCCTGG-3'